The following is an entry in ClinVar:

ClinVar aggregate classification (germline): Conflicting classifications of pathogenicity. Review status: criteria provided, conflicting classifications (1 of 4 stars). 5 submissions from 5 submitters: Likely pathogenic (2); Uncertain significance (3). Last evaluated 2026-03-13.

Conditions:
MNX1-related disorder. Also called: MNX1-related condition.
Inborn genetic diseases. Identifiers: MedGen C0950123, MeSH D030342.

Submissions (5):

PreventionGenetics, part of Exact Sciences
Classification: Likely pathogenic for MNX1-related condition. Last evaluated: 2026-03-13. Review status: criteria provided, single submitter. Criteria: ACMG Guidelines, 2015. Collection method: clinical testing. Allele origin: germline.
Comment: The MNX1 c.885A>C variant is predicted to result in the amino acid substitution p.Lys295Asn. To our knowledge, this variant has not been reported in the literature or in a large population database, indicating this variant is rare. This variant is located in the highly-conserved homeobox domain, a region of the MNX1 gene that is highly constrained for missense variation. An alternate substitution at the same codon (p.Lys295Gln) and additional variants at the flanking amino acids (p.Trp288 to p.Arg293) have been reported in patients with Currarino syndrome (p.Lys295Gln in Lee et al. 2018. PubMed ID: 29401559; other variants in Merello et al. 2013. PubMed ID: 24095820; Hagan et al. 2000. PubMed ID: 10749657; Markljung et al. 2012. PubMed ID: 22820079). At PreventionGenetics, we have identified this variant in numerous affected individuals (internal data). The c.885A>C (p.Lys295Asn) variant is interpreted as likely pathogenic.

GeneDx
Classification: Uncertain significance. Last evaluated: 2025-03-13. Review status: criteria provided, single submitter. Criteria: GeneDx Variant Classification Process June 2021. Collection method: clinical testing. Allele origin: germline. Affected: yes.
Comment: Not observed at significant frequency in large population cohorts (gnomAD); In silico analysis supports that this missense variant has a deleterious effect on protein structure/function; Has not been previously published as pathogenic or benign to our knowledge; This variant is associated with the following publications: (PMID: 29401559)

Labcorp Genetics (formerly Invitae), Labcorp
Classification: Uncertain significance. Last evaluated: 2023-07-17. Review status: criteria provided, single submitter. Criteria: Invitae Variant Classification Sherloc (09022015). Collection method: clinical testing. Allele origin: germline.
Comment: This sequence change replaces lysine, which is basic and polar, with asparagine, which is neutral and polar, at codon 295 of the MNX1 protein (p.Lys295Asn). This variant is not present in population databases (gnomAD no frequency). This variant has not been reported in the literature in individuals affected with MNX1-related conditions. This missense change has been observed in at least one individual who was not affected with MNX1-related conditions (Invitae). ClinVar contains an entry for this variant (Variation ID: 420708). Advanced modeling of protein sequence and biophysical properties (such as structural, functional, and spatial information, amino acid conservation, physicochemical variation, residue mobility, and thermodynamic stability) performed at Invitae indicates that this missense variant is expected to disrupt MNX1 protein function. In summary, the available evidence is currently insufficient to determine the role of this variant in disease. Therefore, it has been classified as a Variant of Uncertain Significance.

Ambry Genetics
Classification: Uncertain significance for Inborn genetic diseases. Last evaluated: 2019-07-26. Review status: criteria provided, single submitter. Criteria: Ambry exome assertion method (8-5-2015). Collection method: clinical testing. Allele origin: germline. Affected: yes. Observed: 1 variant allele.

Genetic Services Laboratory, University of Chicago
Classification: Likely pathogenic. Last evaluated: 2018-04-12. Review status: criteria provided, single submitter. Criteria: ACMG Guidelines, 2015. Collection method: clinical testing. Allele origin: germline. Affected: yes.

Literature cited by the submitters: PubMed 29401559 (cited by Ambry Genetics).

NM_005515.4(MNX1):c.885A>C (p.Lys295Asn)

Gene: MNX1 (motor neuron and pancreas homeobox 1; minus strand). Cytogenetic location: 7q36.3.
Variant type: single nucleotide variant.
Coding change: c.885A>C on transcript NM_005515.4 (MANE Select); coding-DNA position 885, A replaced by C.
Protein change: p.Lys295Asn; replaces lysine 295 with asparagine.
Molecular consequence: missense variant.
Genome position (GRCh38, 1-based): chr7:157,005,841, T>G on the plus strand (A>C on the coding strand, the complement: MNX1 is on the minus strand). VCF-style: chr7-157005841-T-G. GRCh37 (hg19) VCF-style: chr7-156798535-T-G.
Other names: c.249A>C, p.Lys83Asn (NM_001165255.2); short protein forms K295N, K83N.
Identifiers: ClinVar variation 420708 (VCV000420708.19), dbSNP rs1064794653, ClinGen allele CA16618443.
Genomic context (GRCh38, chr7:157,005,841, plus strand): 5'-GCCCTTCTGTTTCTCCGCTTCCTGCGCCGCCTGCTCTTTGGCCTTTTTGCTGCGTTTCCA[T>G]TTCATCCGCCGGTTCTGGAACCAAATCTTCACCTGCGGGCACAAGCGGGCGTGAGAAACC-3'
Protein context (NP_005506.3, residues 285-305): VKIWFQNRRM[Lys295Asn]WKRSKKAKEQ